The following is an entry in ClinVar:

ClinVar aggregate classification (germline): Uncertain significance (1 of 4 stars; one submission).

Conditions:
Spinocerebellar ataxia 45. Identifiers: Orphanet 589527, MedGen C4540400, MONDO:0033480, OMIM 617769.

gnomAD v4.1: 3 of 1,614,188 alleles (0.00019%); highest among the groups gnomAD compares: South Asian, 0.0011%; no homozygotes.

Submission:

Neuberg Centre For Genomic Medicine, NCGM
Classification: Uncertain significance for Spinocerebellar ataxia 45. Last evaluated: 2023-06-22. Review status: criteria provided, single submitter. Criteria: ACMG Guidelines, 2015. Collection method: clinical testing. Allele origin: germline. Inheritance: Autosomal dominant inheritance. Affected: yes.
Comment: The observed missense variant c.7652G>A(p.Arg2551Lys) in FAT2 gene has not been reported previously as a pathogenic variant nor as a benign variant, to our knowledge. The (p.Arg2551Lys) variant is reported with 0.0004% allele frequencyin gnomAD Exomes. The amino acid Arg at position 2551 is changed to a Lys changing protein sequence and it might alter its composition and physico-chemical properties. The reference amino acid p.Arg2551Lys in FAT2 is predicted as conserved by GERP++ and PhyloP across 100 vertebrates.Computational evidence (Polyphen-Benign, SIFT-Tolerated and Mutation Taster-disease causing) predicts conflicting evidence on protein structure and function for this variant. For these reasons, this variant has been classified as Uncertain Significance.

NM_001447.3(FAT2):c.7652G>A (p.Arg2551Lys)

Genes: FAT2 (FAT atypical cadherin 2; minus strand), SLC36A1 (solute carrier family 36 member 1; plus strand). Cytogenetic location: 5q33.1.
Variant type: single nucleotide variant.
Coding change: c.7652G>A on transcript NM_001447.3 (MANE Select); coding-DNA position 7652, G replaced by A.
Protein change: p.Arg2551Lys; replaces arginine 2551 with lysine.
Molecular consequence: missense variant.
Genome position (GRCh38, 1-based): chr5:151,543,475, C>T on the plus strand (G>A on the coding strand, the complement: FAT2 is on the minus strand). VCF-style: chr5-151543475-C-T. GRCh37 (hg19) VCF-style: chr5-150923036-C-T.
Other names: short protein forms R2551K.
Identifiers: ClinVar variation 3377682 (VCV003377682.1).